The following is an entry in ClinVar:

NM_003737.4(DCHS1):c.5241T>G (p.His1747Gln)

Gene: DCHS1 (dachsous cadherin-related 1; minus strand). Cytogenetic location: 11p15.4.
Variant type: single nucleotide variant.
Coding change: c.5241T>G on transcript NM_003737.4 (MANE Select); coding-DNA position 5241, T replaced by G.
Protein change: p.His1747Gln; replaces histidine 1747 with glutamine.
Molecular consequence: missense variant.
Genome position (GRCh38, 1-based): chr11:6,628,751, A>C on the plus strand (T>G on the coding strand, the complement: DCHS1 is on the minus strand). VCF-style: chr11-6628751-A-C. GRCh37 (hg19) VCF-style: chr11-6649982-A-C.
Other names: short protein forms H1747Q.
Identifiers: ClinVar variation 3694578 (VCV003694578.2).
Genomic context (GRCh38, chr11:6,628,751, plus strand): 5'-CTGGGGGTCCTGGCCCTCAGGCACCTCCAGAGAGAGATGGGCACTCCCAAAGGTTGGTGC[A>C]TGGTCATTCTCATCCTCCACAGCCACTCGAACAGTGACATGCGTTAACTGAGGAGGTGAG-3'
Protein context (NP_003728.1, residues 1737-1757): VRVAVEDEND[His1747Gln]APTFGSAHLS

ClinVar aggregate classification (germline): Uncertain significance (1 of 4 stars; one submission).

gnomAD v4.1: 10 of 1,613,930 alleles (0.00062%); highest among the groups gnomAD compares: East Asian, 0.018%; no homozygotes.

Submission:

Labcorp Genetics (formerly Invitae), Labcorp
Classification: Uncertain significance. Last evaluated: 2024-04-25. Review status: criteria provided, single submitter. Criteria: Invitae Variant Classification Sherloc (09022015). Collection method: clinical testing. Allele origin: germline.
Comment: This sequence change replaces histidine, which is basic and polar, with glutamine, which is neutral and polar, at codon 1747 of the DCHS1 protein (p.His1747Gln). This variant is present in population databases (rs747990159, gnomAD 0.01%). This variant has not been reported in the literature in individuals affected with DCHS1-related conditions. Advanced modeling of protein sequence and biophysical properties (such as structural, functional, and spatial information, amino acid conservation, physicochemical variation, residue mobility, and thermodynamic stability) performed at Invitae indicates that this missense variant is expected to disrupt DCHS1 protein function with a positive predictive value of 80%. In summary, the available evidence is currently insufficient to determine the role of this variant in disease. Therefore, it has been classified as a Variant of Uncertain Significance.